The following is an entry in ClinVar:

ClinVar aggregate classification (germline): Uncertain significance. Review status: criteria provided, single submitter (1 of 4 stars). 2 submissions from 2 submitters: Uncertain significance (1). 1 of the submissions does not count toward it. Last evaluated 2025-10-22.

Conditions:
Lethal congenital glycogen storage disease of heart. Also called: GLYCOGEN STORAGE DISEASE OF HEART; PHOSPHORYLASE KINASE DEFICIENCY OF HEART. Identifiers: Orphanet 439854, MedGen C1849813, MONDO:0009867, OMIM 261740.

Allele frequency attached by ClinVar (database versions not stated): gnomAD 0.00001.
gnomAD v4.1: 3 of 1,414,404 alleles (0.00021%); highest among the groups gnomAD compares: Non-Finnish European, 0.00028%; no homozygotes.

Submissions (2):

Labcorp Genetics (formerly Invitae), Labcorp
Classification: Uncertain significance for Lethal congenital glycogen storage disease of heart. Last evaluated: 2025-10-22. Review status: criteria provided, single submitter. Criteria: Invitae Variant Classification Sherloc (09022015). Collection method: clinical testing. Allele origin: germline.
Comment: This sequence change replaces glutamic acid, which is acidic and polar, with glutamine, which is neutral and polar, at codon 247 of the PRKAG2 protein (p.Glu247Gln). This variant is not present in population databases (gnomAD no frequency). This variant has not been reported in the literature in individuals affected with PRKAG2-related conditions. ClinVar contains an entry for this variant (Variation ID: 45735). Invitae Evidence Modeling of protein sequence and biophysical properties (such as structural, functional, and spatial information, amino acid conservation, physicochemical variation, residue mobility, and thermodynamic stability) indicates that this missense variant is not expected to disrupt PRKAG2 protein function with a negative predictive value of 95%. In summary, the available evidence is currently insufficient to determine the role of this variant in disease. Therefore, it has been classified as a Variant of Uncertain Significance.

Laboratory for Molecular Medicine, Mass General Brigham Personalized Medicine
Classification: Likely benign. Last evaluated: 2009-04-23. Review status: no assertion criteria provided. Collection method: clinical testing. Allele origin: germline. Observed: 3 variant alleles. Not counted in ClinVar's aggregate classification.

NM_016203.4(PRKAG2):c.739G>C (p.Glu247Gln)

Genes: PRKAG2 (protein kinase AMP-activated non-catalytic subunit gamma 2; minus strand), LOC129999660 (ATAC-STARR-seq lymphoblastoid silent region 18823; plus strand). Cytogenetic location: 7q36.1.
Variant type: single nucleotide variant.
Coding change: c.739G>C on transcript NM_016203.4 (MANE Select); coding-DNA position 739, G replaced by C.
Protein change: p.Glu247Gln; replaces glutamic acid 247 with glutamine.
Molecular consequence: missense variant.
Genome position (GRCh38, 1-based): chr7:151,632,084, C>G on the plus strand (G>C on the coding strand, the complement: PRKAG2 is on the minus strand). VCF-style: chr7-151632084-C-G. GRCh37 (hg19) VCF-style: chr7-151329170-C-G.
Other names: c.607G>C, p.Glu203Gln (NM_001040633.2); c.367G>C, p.Glu123Gln (NM_001304527.2, NM_001363698.2); c.16G>C, p.Glu6Gln (NM_001304531.2, NM_024429.2); short protein forms E247Q, E123Q, E6Q, E203Q.
Identifiers: ClinVar variation 45735 (VCV000045735.10), dbSNP rs397517281, ClinGen allele CA014536.
Genomic context (GRCh38, chr7:151,632,084, plus strand): 5'-CGGGCCGTGGGAGCGCCGGGCCGGCAGCGGGCGGGGCGCACTCACCTTCGTCCTCGAACT[C>G]CAGCTTCTCCAGCATGCCGGCTTCCGCGGGTCCCAGGGCCGCCGCCAGCGCCGCCTGAGG-3'
Protein context (NP_057287.2, residues 237-257): PAEAGMLEKL[Glu247Gln]FEDEAVEDSE